The following is an entry in ClinVar:

NM_005026.5(PIK3CD):c.1687C>T (p.Gln563Ter)

Gene: PIK3CD (phosphatidylinositol-4,5-bisphosphate 3-kinase catalytic subunit delta; plus strand). Cytogenetic location: 1p36.22.
Variant type: single nucleotide variant.
Coding change: c.1687C>T on transcript NM_005026.5 (MANE Select); coding-DNA position 1687, C replaced by T.
Protein change: p.Gln563Ter; replaces glutamine 563 with a stop codon.
Molecular consequence: nonsense.
Genome position (GRCh38, 1-based): chr1:9,720,907, C>T. VCF-style: chr1-9720907-C-T. GRCh37 (hg19) VCF-style: chr1-9780965-C-T.
Other names: c.1684C>T, p.Gln562Ter (NM_001350234.2); c.1600C>T, p.Gln534Ter (NM_001350235.1); short protein forms Q534*, Q562*, Q563*.
Identifiers: ClinVar variation 2810787 (VCV002810787.3), dbSNP rs1285460528, ClinGen allele CA338304066.

ClinVar aggregate classification (germline): Pathogenic (1 of 4 stars; one submission).

Conditions:
Immunodeficiency 14 (IMD14A). Also called: p110-DELTA-ACTIVATING MUTATION CAUSING SENESCENT T CELLS, LYMPHADENOPATHY, AND IMMUNODEFICIENCY; IMMUNODEFICIENCY 14A WITH LYMPHOPROLIFERATION, AUTOSOMAL DOMINANT; ACTIVATED PI3K-DELTA SYNDROME 1; Activated PI3K Delta Syndrome Type 1 (APDS1). Identifiers: Orphanet 397596, Orphanet 693661, MedGen C5907821, MONDO:0014222, OMIM 615513.

Submission:

Labcorp Genetics (formerly Invitae), Labcorp
Classification: Pathogenic for Activated PI3K-delta syndrome. Last evaluated: 2025-06-17. Review status: criteria provided, single submitter. Criteria: Invitae Variant Classification Sherloc (09022015). Collection method: clinical testing. Allele origin: germline.
Comment: This sequence change creates a premature translational stop signal (p.Gln563*) in the PIK3CD gene. It is expected to result in an absent or disrupted protein product. Loss-of-function variants in PIK3CD are known to be pathogenic (PMID: 30040974, 31073077). This variant is not present in population databases (gnomAD no frequency). This variant has not been reported in the literature in individuals affected with PIK3CD-related conditions. ClinVar contains an entry for this variant (Variation ID: 2810787). For these reasons, this variant has been classified as Pathogenic.

Literature cited by the submitters: PubMed 30040974; PubMed 31073077.